The following is an entry in ClinVar:

ClinVar aggregate classification (germline): Pathogenic (1 of 4 stars; one submission).

Conditions:
Holoprosencephaly 3 (HPE3). Identifiers: Orphanet 2162, MedGen C1840529, MONDO:0007733, OMIM 142945.

Submission:

Laboratory of Molecular Genetics, CHU Rennes
Classification: Pathogenic for Holoprosencephaly 3. Last evaluated: 2025-02-27. Review status: criteria provided, single submitter. Criteria: ACMG Guidelines, 2015. Collection method: clinical testing. Allele origin: paternal. Inheritance: Oligogenic inheritance. Affected: yes.
Comment: The NM_000193.4:c.1085C>A, is a nonsense variant in SHH which is predicted to result in a premature stop codon at position 362, and likely results in an absent or disrupted protein product (PVS1). This variant is not present in gnomAD (PM2).

NM_000193.4(SHH):c.1085C>A (p.Ser362Ter)

Gene: SHH (sonic hedgehog signaling molecule; minus strand). Cytogenetic location: 7q36.3.
Variant type: single nucleotide variant.
Coding change: c.1085C>A on transcript NM_000193.4 (MANE Select); coding-DNA position 1085, C replaced by A.
Protein change: p.Ser362Ter; replaces serine 362 with a stop codon.
Molecular consequence: nonsense. On other transcripts: intron variant (1).
Genome position (GRCh38, 1-based): chr7:155,803,204, G>T on the plus strand (C>A on the coding strand, the complement: SHH is on the minus strand). VCF-style: chr7-155803204-G-T. GRCh37 (hg19) VCF-style: chr7-155595898-G-T.
Other names: c.302-2959C>A (NM_001310462.2); short protein forms S362*.
Identifiers: ClinVar variation 3775148 (VCV003775148.1).